The following is an entry in ClinVar:

NM_000264.5(PTCH1):c.2625T>C (p.Asn875=)

Gene: PTCH1 (patched 1; minus strand). Cytogenetic location: 9q22.32.
Variant type: single nucleotide variant.
Coding change: c.2625T>C on transcript NM_000264.5 (MANE Select); coding-DNA position 2625, T replaced by C.
Protein change: p.Asn875=; no amino-acid change (asparagine 875 retained).
Molecular consequence: synonymous variant. On other transcripts: non-coding transcript variant (1).
Genome position (GRCh38, 1-based): chr9:95,461,934, A>G on the plus strand (T>C on the coding strand, the complement: PTCH1 is on the minus strand). VCF-style: chr9-95461934-A-G. GRCh37 (hg19) VCF-style: chr9-98224216-A-G.
Other names: c.2427T>C, p.Asn809= (NM_001083602.3); c.2622T>C, p.Asn874= (NM_001083603.3); c.2172T>C, p.Asn724= (NM_001083604.3, NM_001083605.3, NM_001083606.3 and 1 more transcripts); c.2469T>C, p.Asn823= (NM_001354918.2).
Identifiers: ClinVar variation 486200 (VCV000486200.15), dbSNP rs1389183150, ClinGen allele CA466112602.

ClinVar aggregate classification (germline): Likely benign. Review status: criteria provided, multiple submitters, no conflicts (2 of 4 stars). 3 submissions from 3 submitters: Likely benign (2). 1 of the submissions does not count toward it. Last evaluated 2024-12-22.

Conditions:
Hereditary cancer-predisposing syndrome. Also called: Tumor predisposition; Neoplastic Syndromes, Hereditary; Hereditary Cancer Syndrome; Hereditary neoplastic syndrome. Identifiers: Orphanet 140162, MedGen C0027672, MeSH D009386, MONDO:0015356.
Gorlin syndrome. Also called: Basal cell nevus syndrome; Nevoid Basal Cell Carcinoma Syndrome. Identifiers: Orphanet 377, MedGen C0004779, MONDO:0007187.
PTCH1-related disorder. Also called: PTCH1-related disorders; PTCH1-related condition.

Allele frequency attached by ClinVar (database versions not stated): gnomAD exomes below 0.00001.
gnomAD v4.1: 1 of 1,614,234 alleles (0.000062%); highest among the groups gnomAD compares: Admixed American, 0.0017%; no homozygotes.

Submissions (3):

Labcorp Genetics (formerly Invitae), Labcorp
Classification: Likely benign for Gorlin syndrome. Last evaluated: 2024-12-22. Review status: criteria provided, single submitter. Criteria: Invitae Variant Classification Sherloc (09022015). Collection method: clinical testing. Allele origin: germline.

Ambry Genetics
Classification: Likely benign for Hereditary cancer-predisposing syndrome. Last evaluated: 2017-02-08. Review status: criteria provided, single submitter. Criteria: Ambry Variant Classification Scheme 2023. Collection method: clinical testing. Allele origin: germline.

PreventionGenetics, part of Exact Sciences
Classification: Likely benign for PTCH1-related condition. Last evaluated: 2021-12-02. Review status: no assertion criteria provided. Collection method: clinical testing. Allele origin: germline. Not counted in ClinVar's aggregate classification.
Comment: This variant is classified as likely benign based on ACMG/AMP sequence variant interpretation guidelines (Richards et al. 2015 PMID: 25741868, with internal and published modifications).